The following is an entry in ClinVar:

NM_138691.3(TMC1):c.2068G>A (p.Ala690Thr)

Gene: TMC1 (transmembrane channel like 1; plus strand). Cytogenetic location: 9q21.13.
Variant type: single nucleotide variant.
Coding change: c.2068G>A on transcript NM_138691.3 (MANE Select); coding-DNA position 2068, G replaced by A.
Protein change: p.Ala690Thr; replaces alanine 690 with threonine.
Molecular consequence: missense variant.
Genome position (GRCh38, 1-based): chr9:72,826,933, G>A. VCF-style: chr9-72826933-G-A. GRCh37 (hg19) VCF-style: chr9-75441849-G-A.
Other names: short protein forms A690T.
Identifiers: ClinVar variation 47867 (VCV000047867.7), dbSNP rs397517838, ClinGen allele CA142067.

ClinVar aggregate classification (germline): Uncertain significance. Review status: criteria provided, multiple submitters, no conflicts (2 of 4 stars). 2 submissions from 2 submitters: Uncertain significance (2). Last evaluated 2023-05-17.

Conditions:
Inborn genetic diseases. Identifiers: MedGen C0950123, MeSH D030342.

Allele frequency attached by ClinVar (database versions not stated): gnomAD exomes below 0.00001; TOPMed below 0.00001; gnomAD 0.00001.
gnomAD v4.1: 2 of 1,613,952 alleles (0.00012%); highest among the groups gnomAD compares: Non-Finnish European, 0.00017%; no homozygotes.

Submissions (2):

Ambry Genetics
Classification: Uncertain significance for Inborn genetic diseases. Last evaluated: 2023-05-17. Review status: criteria provided, single submitter. Criteria: Ambry Variant Classification Scheme 2023. Collection method: clinical testing. Allele origin: germline.

Laboratory for Molecular Medicine, Mass General Brigham Personalized Medicine
Classification: Uncertain significance. Last evaluated: 2010-07-14. Review status: criteria provided, single submitter. Criteria: LMM Criteria. Collection method: clinical testing. Allele origin: germline. Observed: 1 variant allele.
Comment: Variant classified as Uncertain Significance - Favor Benign. The Ala690Thr varia nt has not been reported in the literature nor previously identified by our labo ratory. This residue is conserved in mammals; however, it is not conserved in ch ickens and computational analyses (PolyPhen, SIFT, AlignGVGD) do not suggest a h igh likelihood of impact to the protein. However, this information is not very p redictive of pathogenicity. It should be noted that this lab has only sequenced the TMC1 in 104 individuals such that the full spectrum of benign variation has not yet been defined for this gene, increasing the possibility that this may be a benign variant. In summary, the clinical significance of this variant cannot b e determined with certainty at this time; however based upon the arguments descr ibed above, we would lean towards a more likely benign role.